The following is an entry in ClinVar:

NM_001378452.1(ITPR1):c.4474G>A (p.Val1492Ile)

Gene: ITPR1 (inositol 1,4,5-trisphosphate receptor type 1; plus strand). Cytogenetic location: 3p26.1.
Variant type: single nucleotide variant.
Coding change: c.4474G>A on transcript NM_001378452.1 (MANE Select); coding-DNA position 4474, G replaced by A.
Protein change: p.Val1492Ile; replaces valine 1492 with isoleucine.
Molecular consequence: missense variant.
Genome position (GRCh38, 1-based): chr3:4,699,879, G>A. VCF-style: chr3-4699879-G-A. GRCh37 (hg19) VCF-style: chr3-4741563-G-A.
Other names: c.4447G>A, p.Val1483Ile (NM_001099952.4); c.4429G>A, p.Val1477Ile (NM_001168272.2); c.4402G>A, p.Val1468Ile (NM_002222.7); short protein forms V1477I, V1483I, V1468I, V1492I.
Identifiers: ClinVar variation 902723 (VCV000902723.15), dbSNP rs200646875, ClinGen allele CA2232007.

ClinVar aggregate classification (germline): Conflicting classifications of pathogenicity. Review status: criteria provided, conflicting classifications (1 of 4 stars). 7 submissions from 7 submitters: Uncertain significance (4); Likely benign (2). 1 of the submissions does not count toward it. Last evaluated 2026-06-01.

Conditions:
Intellectual disability. Also called: Intellectual developmental disorder; Intellectual functioning disability; intellectual disabilities. Identifiers: MedGen C3714756, MeSH D008607, MONDO:0001071, HP:0001249.
Inborn genetic diseases. Identifiers: MedGen C0950123, MeSH D030342.
Autosomal dominant cerebellar ataxia. Also called: Spinocerebellar Ataxia, Dominant. Identifiers: Orphanet 99, MedGen C4087347, MONDO:0020380.

Allele frequency attached by ClinVar (database versions not stated): ExAC 0.00013; gnomAD exomes 0.00021 and 0.00027; ESP Exome Variant Server 0.00025; TOPMed 0.00032; gnomAD 0.00034 and 0.00037.
gnomAD v4.1: 435 of 1,613,568 alleles (0.027%); highest among the groups gnomAD compares: Admixed American, 0.053%; no homozygotes.

Submissions (7):

CeGaT Center for Human Genetics Tuebingen
Classification: Uncertain significance. Last evaluated: 2026-06-01. Review status: criteria provided, single submitter. Criteria: CeGaT Center For Human Genetics Tuebingen Variant Classification Criteria Version 2. Collection method: clinical testing. Allele origin: germline. Affected: yes. Observed: 1 variant allele.
Comment: ITPR1: PM2

Labcorp Genetics (formerly Invitae), Labcorp
Classification: Uncertain significance. Last evaluated: 2026-01-09. Review status: criteria provided, single submitter. Criteria: Invitae Variant Classification Sherloc (09022015). Collection method: clinical testing. Allele origin: germline.
Comment: This sequence change replaces valine, which is neutral and non-polar, with isoleucine, which is neutral and non-polar, at codon 1468 of the ITPR1 protein (p.Val1468Ile). This variant is present in population databases (rs200646875, gnomAD 0.03%). This missense change has been observed in individual(s) with autosomal dominant spinocerebellar ataxia (PMID: 27908616). ClinVar contains an entry for this variant (Variation ID: 902723). Invitae Evidence Modeling of protein sequence and biophysical properties (such as structural, functional, and spatial information, amino acid conservation, physicochemical variation, residue mobility, and thermodynamic stability) indicates that this missense variant is not expected to disrupt ITPR1 protein function with a negative predictive value of 95%. In summary, the available evidence is currently insufficient to determine the role of this variant in disease. Therefore, it has been classified as a Variant of Uncertain Significance.

Athena Diagnostics
Classification: Likely benign. Last evaluated: 2023-12-15. Review status: criteria provided, single submitter. Criteria: Athena Diagnostics Criteria. Collection method: clinical testing. Allele origin: unknown.

Ambry Genetics
Classification: Uncertain significance for Inborn genetic diseases. Last evaluated: 2023-10-16. Review status: criteria provided, single submitter. Criteria: Ambry Variant Classification Scheme 2023. Collection method: clinical testing. Allele origin: germline.
Comment: Unlikely to be causative of ITPR1-related congenital non-progressive spinocerebellar ataxia (AD), Gillespie syndrome (AD) or ITPR1-related spinocerebellar ataxia (AD) Based on insufficient or conflicting evidence, the clinical significance of this alteration remains unclear.

GeneDx
Classification: Uncertain significance. Last evaluated: 2022-04-15. Review status: criteria provided, single submitter. Criteria: GeneDx Variant Classification Process June 2021. Collection method: clinical testing. Allele origin: germline. Affected: yes.
Comment: Reported in the heterozygous state in an individual with gait ataxia, spasticity, resting tremor and hydrocephalus and this individual's father with shuffling gait, dementia and normal pressure hydrocephalus (Tipton et al., 2016); In silico analysis supports that this missense variant does not alter protein structure/function; This variant is associated with the following publications: (PMID: 27908616)

Illumina Laboratory Services, Illumina
Classification: Likely benign for Spinocerebellar Ataxia, Dominant. Last evaluated: 2017-04-28. Review status: criteria provided, single submitter. Criteria: ICSL Variant Classification Criteria 13 December 2019. Collection method: clinical testing. Allele origin: germline.
Comment: This variant was observed as part of a predisposition screen in an ostensibly healthy population. A literature search was performed for the gene, cDNA change, and amino acid change (where applicable). No publications were found based on this search. Allele frequency data from public databases allowed determination this variant is unlikely to cause disease. Therefore, this variant is classified as likely benign.

Centre de Biologie Pathologie Génétique, Centre Hospitalier Universitaire de Lille
Classification: Likely benign for Intellectual disability. Last evaluated: 2019-01-01. Review status: no assertion criteria provided. Collection method: clinical testing. Allele origin: inherited. Affected: yes. Not counted in ClinVar's aggregate classification.

Literature cited by the submitters: PubMed 27908616 (cited by 3 submitters).